The following is an entry in ClinVar:

NM_001199397.3(NEK1):c.2974+4A>G

Gene: NEK1 (NIMA related kinase 1; minus strand). Cytogenetic location: 4q33.
Variant type: single nucleotide variant.
Coding change: c.2974+4A>G on transcript NM_001199397.3 (MANE Select); 4 bases into the intron after coding-DNA position 2974, A replaced by G.
Molecular consequence: intron variant.
Genome position (GRCh38, 1-based): chr4:169,426,142, T>C on the plus strand (A>G on the coding strand, the complement: NEK1 is on the minus strand). VCF-style: chr4-169426142-T-C. GRCh37 (hg19) VCF-style: chr4-170347293-T-C.
Other names: c.2491+4A>G (NM_001374421.1); c.2839+4A>G (NM_001374420.1); c.2683+4A>G (NM_001199399.3); c.2842+4A>G (NM_001199398.3); c.2890+4A>G (NM_001374419.1, NM_012224.4); c.2758+4A>G (NM_001199400.3); c.2974+4A>G (NM_001374418.1).
Identifiers: ClinVar variation 3728940 (VCV003728940.2).
Genomic context (GRCh38, chr4:169,426,142, plus strand): 5'-AGGTTGATGTTAATAATCATTAACATCTTCCAGAAAGTAATTAGACTAATGCAATGATGC[T>C]TACCTATATGAATGTCACTAAGTTGGTCCACAGTACTCGAGACTCCATCTTCAGAAACTT-3'

ClinVar aggregate classification (germline): Uncertain significance (1 of 4 stars; one submission).

Conditions:
Short-rib thoracic dysplasia 6 with or without polydactyly (SRTD6). Also called: SHORT RIB-POLYDACTYLY SYNDROME, TYPE IIA; Majewski Syndrome; SHORT-RIB THORACIC DYSPLASIA 6 WITH POLYDACTYLY; SHORT-RIB THORACIC DYSPLASIA 6 WITHOUT POLYDACTYLY; POLYDACTYLY WITH NEONATAL CHONDRODYSTROPHY, TYPE II. Identifiers: MedGen C0024507, MONDO:0009894, OMIM 263520.

gnomAD v4.1: 1 of 1,608,192 alleles (0.000062%); highest among the groups gnomAD compares: African/African-American, 0.0013%; no homozygotes.

Submission:

Labcorp Genetics (formerly Invitae), Labcorp
Classification: Uncertain significance for Short-rib thoracic dysplasia 6 with or without polydactyly. Last evaluated: 2025-01-13. Review status: criteria provided, single submitter. Criteria: Invitae Variant Classification Sherloc (09022015). Collection method: clinical testing. Allele origin: germline.
Comment: This sequence change falls in intron 28 of the NEK1 gene. It does not directly change the encoded amino acid sequence of the NEK1 protein. It affects a nucleotide within the consensus splice site. This variant is not present in population databases (gnomAD no frequency). This variant has not been reported in the literature in individuals affected with NEK1-related conditions. Variants that disrupt the consensus splice site are a relatively common cause of aberrant splicing (PMID: 17576681, 9536098). Algorithms developed to predict the effect of sequence changes on RNA splicing suggest that this variant is not likely to affect RNA splicing. In summary, the available evidence is currently insufficient to determine the role of this variant in disease. Therefore, it has been classified as a Variant of Uncertain Significance.

Literature cited by the submitters: PubMed 17576681; PubMed 9536098.